The following is an entry in ClinVar:

NM_003467.3(CXCR4):c.1000C>G (p.Arg334Gly)

Gene: CXCR4 (C-X-C motif chemokine receptor 4; minus strand). Cytogenetic location: 2q22.1.
Variant type: single nucleotide variant.
Coding change: c.1000C>G on transcript NM_003467.3 (MANE Select); coding-DNA position 1000, C replaced by G.
Protein change: p.Arg334Gly; replaces arginine 334 with glycine.
Molecular consequence: missense variant.
Genome position (GRCh38, 1-based): chr2:136,114,928, G>C on the plus strand (C>G on the coding strand, the complement: CXCR4 is on the minus strand). VCF-style: chr2-136114928-G-C. GRCh37 (hg19) VCF-style: chr2-136872498-G-C.
Other names: c.1012C>G, p.Arg338Gly (NM_001008540.2); c.1213C>G, p.Arg405Gly (NM_001348056.2); c.1099C>G, p.Arg367Gly (NM_001348059.2); c.955C>G, p.Arg319Gly (NM_001348060.2); short protein forms R319G, R405G, R338G, R334G, R367G.
Identifiers: ClinVar variation 1396800 (VCV001396800.9), dbSNP rs104893624, ClinGen allele CA348657469.

ClinVar aggregate classification (germline): Conflicting classifications of pathogenicity. Review status: criteria provided, conflicting classifications (1 of 4 stars). 2 submissions from 2 submitters: Uncertain significance (1); Likely benign (1). Last evaluated 2024-06-06.

Conditions:
Warts, hypogammaglobulinemia, infections, and myelokathexis. Also called: WHIM syndrome. Identifiers: MedGen C0472817, MONDO:0023880.

gnomAD v4.1: 2 of 1,612,484 alleles (0.00012%); no homozygotes.

Submissions (2):

Blueprint Genetics
Classification: Likely benign. Last evaluated: 2024-06-06. Review status: criteria provided, single submitter. Criteria: ACMG Guidelines, 2015. Collection method: clinical testing. Allele origin: germline.

Labcorp Genetics (formerly Invitae), Labcorp
Classification: Uncertain significance for Warts, hypogammaglobulinemia, infections, and myelokathexis. Last evaluated: 2021-04-27. Review status: criteria provided, single submitter. Criteria: Invitae Variant Classification Sherloc (09022015). Collection method: clinical testing. Allele origin: germline.
Comment: This sequence change replaces arginine with glycine at codon 334 of the CXCR4 protein (p.Arg334Gly). The arginine residue is highly conserved and there is a moderate physicochemical difference between arginine and glycine. This variant is not present in population databases (ExAC no frequency). This variant has not been reported in the literature in individuals with CXCR4-related conditions. Algorithms developed to predict the effect of missense changes on protein structure and function are either unavailable or do not agree on the potential impact of this missense change (SIFT: "Deleterious"; PolyPhen-2: "Benign"; Align-GVGD: "Class C15"). In summary, the available evidence is currently insufficient to determine the role of this variant in disease. Therefore, it has been classified as a Variant of Uncertain Significance.